The following is an entry in ClinVar:

ClinVar aggregate classification (germline): Uncertain significance (1 of 4 stars; one submission).

Conditions:
Inborn genetic diseases. Identifiers: MedGen C0950123, MeSH D030342.

Submission:

Ambry Genetics
Classification: Uncertain significance for Inborn genetic diseases. Last evaluated: 2025-06-21. Review status: criteria provided, single submitter. Criteria: Ambry Variant Classification Scheme 2023. Collection method: clinical testing. Allele origin: germline.
Comment: The p.T144S variant (also known as c.431C>G), located in coding exon 3 of the MBD4 gene, results from a C to G substitution at nucleotide position 431. The threonine at codon 144 is replaced by serine, an amino acid with similar properties. This amino acid position is conserved. In addition, this alteration is predicted to be tolerated by in silico analysis. Based on the available evidence, the clinical significance of this variant remains unclear.

NM_001276270.2(MBD4):c.431C>G (p.Thr144Ser)

Gene: MBD4 (methyl-CpG binding domain 4, DNA glycosylase; minus strand). Cytogenetic location: 3q21.3.
Variant type: single nucleotide variant.
Coding change: c.431C>G on transcript NM_001276270.2 (MANE Select); coding-DNA position 431, C replaced by G.
Protein change: p.Thr144Ser; replaces threonine 144 with serine.
Molecular consequence: missense variant. On other transcripts: intron variant (1).
Genome position (GRCh38, 1-based): chr3:129,437,213, G>C on the plus strand (C>G on the coding strand, the complement: MBD4 is on the minus strand). VCF-style: chr3-129437213-G-C. GRCh37 (hg19) VCF-style: chr3-129156056-G-C.
Other names: c.431C>G, p.Thr144Ser (NM_001276271.2, NM_001276272.2, NM_003925.3); c.247+595C>G (NM_001276273.2); short protein forms T144S.
Identifiers: ClinVar variation 4104594 (VCV004104594.1).